The following is an entry in ClinVar:

ClinVar aggregate classification (germline): Likely benign (1 of 4 stars; one submission).

gnomAD v4.1: 18 of 1,607,154 alleles (0.0011%); highest among the groups gnomAD compares: South Asian, 0.012%; no homozygotes.

Submission:

CeGaT Center for Human Genetics Tuebingen
Classification: Likely benign. Last evaluated: 2026-01-01. Review status: criteria provided, single submitter. Criteria: CeGaT Center For Human Genetics Tuebingen Variant Classification Criteria Version 2. Collection method: clinical testing. Allele origin: germline. Affected: yes. Observed: 1 variant allele.
Comment: SRC: BP4

NM_198291.3(SRC):c.859+6G>T

Gene: SRC (SRC proto-oncogene, non-receptor tyrosine kinase; plus strand). Cytogenetic location: 20q11.23.
Variant type: single nucleotide variant.
Coding change: c.859+6G>T on transcript NM_198291.3 (MANE Select); 6 bases into the intron after coding-DNA position 859, G replaced by T.
Molecular consequence: intron variant.
Genome position (GRCh38, 1-based): chr20:37,397,860, G>T. VCF-style: chr20-37397860-G-T. GRCh37 (hg19) VCF-style: chr20-36026263-G-T.
Other names: c.859+6G>T (NM_005417.5).
Identifiers: ClinVar variation 4822760 (VCV004822760.4).